The following is an entry in ClinVar:

NM_001277115.2(DNAH11):c.5164A>T (p.Ile1722Leu)

Gene: DNAH11 (dynein axonemal heavy chain 11; plus strand). Cytogenetic location: 7p15.3.
Variant type: single nucleotide variant.
Coding change: c.5164A>T on transcript NM_001277115.2 (MANE Select); coding-DNA position 5164, A replaced by T.
Protein change: p.Ile1722Leu; replaces isoleucine 1722 with leucine.
Molecular consequence: missense variant.
Genome position (GRCh38, 1-based): chr7:21,658,867, A>T. VCF-style: chr7-21658867-A-T. GRCh37 (hg19) VCF-style: chr7-21698485-A-T.
Other names: c.5179A>T, p.Ile1727Leu (NM_003777.3); short protein forms I1727L, I1722L.
Identifiers: ClinVar variation 3008742 (VCV003008742.3), dbSNP rs1303227208, ClinGen allele CA366939695.

ClinVar aggregate classification (germline): Uncertain significance (1 of 4 stars; one submission).

Conditions:
Primary ciliary dyskinesia. Also called: Ciliary dyskinesia. Identifiers: Orphanet 244, MedGen C0008780, MONDO:0016575, HP:0012265.

Submission:

Labcorp Genetics (formerly Invitae), Labcorp
Classification: Uncertain significance for Primary ciliary dyskinesia. Last evaluated: 2023-05-20. Review status: criteria provided, single submitter. Criteria: Invitae Variant Classification Sherloc (09022015). Collection method: clinical testing. Allele origin: germline.
Comment: This variant is not present in population databases (gnomAD no frequency). In summary, the available evidence is currently insufficient to determine the role of this variant in disease. Therefore, it has been classified as a Variant of Uncertain Significance. Advanced modeling of protein sequence and biophysical properties (such as structural, functional, and spatial information, amino acid conservation, physicochemical variation, residue mobility, and thermodynamic stability) performed at Invitae indicates that this missense variant is not expected to disrupt DNAH11 protein function. This variant has not been reported in the literature in individuals affected with DNAH11-related conditions. This sequence change replaces isoleucine, which is neutral and non-polar, with leucine, which is neutral and non-polar, at codon 1722 of the DNAH11 protein (p.Ile1722Leu).